The following is an entry in ClinVar:

NM_004006.3(DMD):c.2813C>T (p.Thr938Ile)

Gene: DMD (dystrophin; minus strand). Cytogenetic location: Xp21.1.
Variant type: single nucleotide variant.
Coding change: c.2813C>T on transcript NM_004006.3 (MANE Select); coding-DNA position 2813, C replaced by T.
Protein change: p.Thr938Ile; replaces threonine 938 with isoleucine.
Molecular consequence: missense variant.
Genome position (GRCh38, 1-based): chrX:32,472,300, G>A on the plus strand (C>T on the coding strand, the complement: DMD is on the minus strand). VCF-style: chrX-32472300-G-A. GRCh37 (hg19) VCF-style: chrX-32490417-G-A.
Other names: c.2789C>T, p.Thr930Ile (NM_000109.4); c.2801C>T, p.Thr934Ile (NM_004009.3); c.2444C>T, p.Thr815Ile (NM_004010.3); short protein forms T815I, T930I, T934I, T938I.
Identifiers: ClinVar variation 3623254 (VCV003623254.2).

ClinVar aggregate classification (germline): Uncertain significance (1 of 4 stars; one submission).

Conditions:
Duchenne muscular dystrophy (DMD). Also called: MUSCULAR DYSTROPHY, PSEUDOHYPERTROPHIC PROGRESSIVE, DUCHENNE TYPE; Duchenne Muscular Dystrophy (DMD). Identifiers: Orphanet 98896, MedGen C0013264, MONDO:0010679, OMIM 310200.

Submission:

Labcorp Genetics (formerly Invitae), Labcorp
Classification: Uncertain significance for Duchenne muscular dystrophy. Last evaluated: 2024-05-21. Review status: criteria provided, single submitter. Criteria: Invitae Variant Classification Sherloc (09022015). Collection method: clinical testing. Allele origin: germline.
Comment: This sequence change replaces threonine, which is neutral and polar, with isoleucine, which is neutral and non-polar, at codon 938 of the DMD protein (p.Thr938Ile). This variant is not present in population databases (gnomAD no frequency). This variant has not been reported in the literature in individuals affected with DMD-related conditions. Advanced modeling of protein sequence and biophysical properties (such as structural, functional, and spatial information, amino acid conservation, physicochemical variation, residue mobility, and thermodynamic stability) performed at Invitae indicates that this missense variant is not expected to disrupt DMD protein function with a negative predictive value of 95%. In summary, the available evidence is currently insufficient to determine the role of this variant in disease. Therefore, it has been classified as a Variant of Uncertain Significance.